The following is an entry in ClinVar:

NM_001127644.2(GABRA1):c.136T>G (p.Leu46Val)

Gene: GABRA1 (gamma-aminobutyric acid type A receptor subunit alpha1; plus strand). Cytogenetic location: 5q34.
Variant type: single nucleotide variant.
Coding change: c.136T>G on transcript NM_001127644.2 (MANE Select); coding-DNA position 136, T replaced by G.
Protein change: p.Leu46Val; replaces leucine 46 with valine.
Molecular consequence: missense variant.
Genome position (GRCh38, 1-based): chr5:161,854,219, T>G. VCF-style: chr5-161854219-T-G. GRCh37 (hg19) VCF-style: chr5-161281225-T-G.
Other names: c.136T>G, p.Leu46Val (NM_000806.5, NM_001127643.2, NM_001127645.2 and 1 more transcripts); short protein forms L46V.
Identifiers: ClinVar variation 4789484 (VCV004789484.1).

ClinVar aggregate classification (germline): Uncertain significance (1 of 4 stars; one submission).

Conditions:
Epilepsy, idiopathic generalized, susceptibility to, 13. Also called: EPILEPSY, JUVENILE MYOCLONIC, SUSCEPTIBILITY TO, 5. Identifiers: Orphanet 307, Orphanet 64280, MedGen C4013473, MONDO:0012627, OMIM 611136.
Epilepsy, childhood absence 4 (ECA4). Also called: EPILEPSY, CHILDHOOD ABSENCE, SUSCEPTIBILITY TO, 4. Identifiers: Orphanet 307, MedGen C1970160.
Idiopathic generalized epilepsy. Also called: Generalised epilepsy; EIG. Identifiers: MedGen C0270850, MONDO:0005579, OMIM 600669.

Submission:

Labcorp Genetics (formerly Invitae), Labcorp
Classification: Uncertain significance for Epilepsy, childhood absence 4; Epilepsy, idiopathic generalized, susceptibility to, 13; Idiopathic generalized epilepsy. Last evaluated: 2025-11-03. Review status: criteria provided, single submitter. Criteria: Invitae Variant Classification Sherloc (09022015). Collection method: clinical testing. Allele origin: germline.
Comment: This sequence change replaces leucine, which is neutral and non-polar, with valine, which is neutral and non-polar, at codon 46 of the GABRA1 protein (p.Leu46Val). This variant is not present in population databases (gnomAD no frequency). This variant has not been reported in the literature in individuals affected with GABRA1-related conditions. Invitae Evidence Modeling of protein sequence and biophysical properties (such as structural, functional, and spatial information, amino acid conservation, physicochemical variation, residue mobility, and thermodynamic stability) indicates that this missense variant is expected to disrupt GABRA1 protein function with a positive predictive value of 80%. In summary, the available evidence is currently insufficient to determine the role of this variant in disease. Therefore, it has been classified as a Variant of Uncertain Significance.